The following is an entry in ClinVar:

NM_003327.4(TNFRSF4):c.489C>G (p.Asp163Glu)

Gene: TNFRSF4 (TNF receptor superfamily member 4; minus strand). Cytogenetic location: 1p36.33.
Variant type: single nucleotide variant.
Coding change: c.489C>G on transcript NM_003327.4 (MANE Select); coding-DNA position 489, C replaced by G.
Protein change: p.Asp163Glu; replaces aspartic acid 163 with glutamic acid.
Molecular consequence: missense variant.
Genome position (GRCh38, 1-based): chr1:1,212,087, G>C on the plus strand (C>G on the coding strand, the complement: TNFRSF4 is on the minus strand). VCF-style: chr1-1212087-G-C. GRCh37 (hg19) VCF-style: chr1-1147467-G-C.
Other names: c.489C>G, p.Asp163Glu (NM_001410709.1); short protein forms D163E.
Identifiers: ClinVar variation 2954760 (VCV002954760.3), dbSNP rs768010168, ClinGen allele CA337799525.

ClinVar aggregate classification (germline): Uncertain significance (1 of 4 stars; one submission).

Conditions:
Combined immunodeficiency due to OX40 deficiency. Also called: OX40 DEFICIENCY; Immunodeficiency 16. Identifiers: Orphanet 431149, MedGen C3810053, MONDO:0014268, OMIM 615593.

gnomAD v4.1: 4 of 1,612,576 alleles (0.00025%); highest among the groups gnomAD compares: Non-Finnish European, 0.00034%; no homozygotes.

Submission:

Labcorp Genetics (formerly Invitae), Labcorp
Classification: Uncertain significance for Combined immunodeficiency due to OX40 deficiency. Last evaluated: 2023-05-25. Review status: criteria provided, single submitter. Criteria: Invitae Variant Classification Sherloc (09022015). Collection method: clinical testing. Allele origin: germline.
Comment: In summary, the available evidence is currently insufficient to determine the role of this variant in disease. Therefore, it has been classified as a Variant of Uncertain Significance. Advanced modeling of protein sequence and biophysical properties (such as structural, functional, and spatial information, amino acid conservation, physicochemical variation, residue mobility, and thermodynamic stability) performed at Invitae indicates that this missense variant is expected to disrupt TNFRSF4 protein function. This variant has not been reported in the literature in individuals affected with TNFRSF4-related conditions. This variant is not present in population databases (gnomAD no frequency). This sequence change replaces aspartic acid, which is acidic and polar, with glutamic acid, which is acidic and polar, at codon 163 of the TNFRSF4 protein (p.Asp163Glu).